The following is an entry in ClinVar:

NM_000035.4(ALDOB):c.2T>G (p.Met1Arg)

Gene: ALDOB (aldolase, fructose-bisphosphate B; minus strand). Cytogenetic location: 9q31.1.
Variant type: single nucleotide variant.
Coding change: c.2T>G on transcript NM_000035.4 (MANE Select); coding-DNA position 2, T replaced by G.
Protein change: p.Met1Arg; changes the start codon (methionine 1).
Molecular consequence: missense variant, initiator codon variant.
Genome position (GRCh38, 1-based): chr9:101,430,886, A>C on the plus strand (T>G on the coding strand, the complement: ALDOB is on the minus strand). VCF-style: chr9-101430886-A-C. GRCh37 (hg19) VCF-style: chr9-104193168-A-C.
Other names: short protein forms M1R.
Identifiers: ClinVar variation 2131193 (VCV002131193.5), dbSNP rs1270747182, ClinGen allele CA374266320.

ClinVar aggregate classification (germline): Likely pathogenic (1 of 4 stars; one submission).

Conditions:
Hereditary fructosuria. Also called: Fructose intolerance; ALDOB DEFICIENCY; ALDOLASE B DEFICIENCY; FRUCTOSE-1,6-BISPHOSPHATE ALDOLASE B DEFICIENCY; FRUCTOSE-1-PHOSPHATE ALDOLASE DEFICIENCY; FRUCTOSEMIA. Identifiers: Orphanet 469, MedGen C0016751, MONDO:0009249, OMIM 229600, HP:0005973. Disease mechanism: loss of function.

Submission:

Labcorp Genetics (formerly Invitae), Labcorp
Classification: Likely pathogenic for Hereditary fructosuria. Last evaluated: 2022-04-28. Review status: criteria provided, single submitter. Criteria: Invitae Variant Classification Sherloc (09022015). Collection method: clinical testing. Allele origin: germline.
Comment: In summary, the currently available evidence indicates that the variant is pathogenic, but additional data are needed to prove that conclusively. Therefore, this variant has been classified as Likely Pathogenic. Disruption of the initiator codon has been observed in individual(s) with hereditary fructose intolerance (PMID: 8438046). In at least one individual the data is consistent with being in trans (on the opposite chromosome) from a pathogenic variant. It has also been observed to segregate with disease in related individuals. This variant is not present in population databases (gnomAD no frequency). This sequence change affects the initiator methionine of the ALDOB mRNA. The next in-frame methionine is located at codon 40.

Literature cited by the submitters: PubMed 8438046.